The following is an entry in ClinVar:

ClinVar aggregate classification (germline): Pathogenic (1 of 4 stars; one submission).

Conditions:
Gastrointestinal stromal tumor. Also called: Gastrointestinal stromal tumor, somatic; Gastrointestinal stroma tumor. Identifiers: Orphanet 44890, MedGen C0238198, MeSH D046152, MONDO:0011719, OMIM 606764, HP:0100723.
Pheochromocytoma/paraganglioma syndrome 3. Also called: GLOMUS TUMORS, FAMILIAL, 3; Paragangliomas 3; SDHC-Related Hereditary Paraganglioma-Pheochromocytoma Syndrome (Paragangliomas 3); SDHC-Related Hereditary Paraganglioma-Pheochromocytoma Syndrome. Identifiers: Orphanet 29072, MedGen C1854336, MONDO:0011544, OMIM 605373.

Submission:

Labcorp Genetics (formerly Invitae), Labcorp
Classification: Pathogenic for Pheochromocytoma/paraganglioma syndrome 3; Gastrointestinal stromal tumor. Last evaluated: 2024-06-26. Review status: criteria provided, single submitter. Criteria: Invitae Variant Classification Sherloc (09022015). Collection method: clinical testing. Allele origin: germline.
Comment: This sequence change creates a premature translational stop signal (p.Ser48*) in the SDHC gene. It is expected to result in an absent or disrupted protein product. Loss-of-function variants in SDHC are known to be pathogenic (PMID: 17667967, 19454582, 23282968, 24758179). This variant is not present in population databases (gnomAD no frequency). This variant has not been reported in the literature in individuals affected with SDHC-related conditions. For these reasons, this variant has been classified as Pathogenic.

Literature cited by the submitters: PubMed 17667967; PubMed 19454582; PubMed 23282968; PubMed 24758179.

NM_003001.5(SDHC):c.143C>G (p.Ser48Ter)

Gene: SDHC (succinate dehydrogenase complex subunit C; plus strand). Cytogenetic location: 1q23.3.
Variant type: single nucleotide variant.
Coding change: c.143C>G on transcript NM_003001.5 (MANE Select); coding-DNA position 143, C replaced by G.
Protein change: p.Ser48Ter; replaces serine 48 with a stop codon.
Molecular consequence: nonsense. On other transcripts: non-coding transcript variant (1), intron variant (4).
Genome position (GRCh38, 1-based): chr1:161,328,461, C>G. VCF-style: chr1-161328461-C-G. GRCh37 (hg19) VCF-style: chr1-161298251-C-G.
Other names: c.143C>G, p.Ser48Ter (NM_001035511.3, NM_001407115.1); c.86C>G, p.Ser29Ter (NM_001407116.1, NM_001407117.1, NM_001407121.1); c.32C>G, p.Ser11Ter (NM_001407119.1, NM_001407120.1); c.77+4791C>G (NM_001035512.3, NM_001278172.3, NM_001407118.1); c.21-12133C>G (NM_001035513.3); short protein forms S11*, S29*, S48*.
Identifiers: ClinVar variation 3761346 (VCV003761346.2).